The following is an entry in ClinVar:

ClinVar aggregate classification (germline): Pathogenic. Review status: criteria provided, multiple submitters, no conflicts (2 of 4 stars). 4 submissions from 4 submitters: Pathogenic (3). 1 of the submissions does not count toward it. Last evaluated 2024-08-20.

Conditions:
RDH5-related disorder. Also called: RDH5-related condition.
Retinal dystrophy. Also called: Inherited retinal dystrophy. Identifiers: Orphanet 71862, MedGen C0854723, MeSH D058499, MONDO:0019118, HP:0000556.
Pigmentary retinal dystrophy. Also called: Fundus albipunctatus. Identifiers: Orphanet 227796, Orphanet 52427, MedGen C0311338, MONDO:0007639, OMIM 136880, HP:0030642.

Allele frequency attached by ClinVar (database versions not stated): gnomAD below 0.00001 and 0.00001; TOPMed 0.00001.
gnomAD v4.1: 21 of 1,613,326 alleles (0.0013%); highest among the groups gnomAD compares: South Asian, 0.018%; no homozygotes.

Submissions (4):

Blueprint Genetics
Classification: Pathogenic for RDH5-related disorders. Last evaluated: 2024-08-20. Review status: criteria provided, single submitter. Criteria: ACMG Guidelines, 2015. Collection method: clinical testing. Allele origin: germline. Affected: yes. Observed: 3 variant alleles.

Fulgent Genetics
Classification: Pathogenic for Pigmentary retinal dystrophy. Last evaluated: 2024-02-13. Review status: criteria provided, single submitter. Criteria: ACMG Guidelines, 2015. Collection method: clinical testing. Allele origin: germline.

Labcorp Genetics (formerly Invitae), Labcorp
Classification: Pathogenic. Last evaluated: 2021-03-31. Review status: criteria provided, single submitter. Criteria: Invitae Variant Classification Sherloc (09022015). Collection method: clinical testing. Allele origin: germline.
Comment: This variant has been observed in individual(s) with clinical features of fundus albipunctatus (PMID: 24603341, 28418496). It has also been observed to segregate with disease in related individuals. ClinVar contains an entry for this variant (Variation ID: 236445). Algorithms developed to predict the effect of missense changes on protein structure and function (SIFT, PolyPhen-2, Align-GVGD) all suggest that this variant is likely to be disruptive, but these predictions have not been confirmed by published functional studies and their clinical significance is uncertain. This sequence change replaces lysine with arginine at codon 179 of the RDH5 protein (p.Lys179Arg). The lysine residue is highly conserved and there is a small physicochemical difference between lysine and arginine. This variant is present in population databases (rs781112960, ExAC 0.02%). For these reasons, this variant has been classified as Pathogenic. Algorithms developed to predict the effect of sequence changes on RNA splicing suggest that this variant may create or strengthen a splice site, but this prediction has not been confirmed by published transcriptional studies.

Centre for Genomic Medicine, Manchester, Central Manchester University Hospitals
Classification: Uncertain significance for Retinal dystrophy. Review status: no assertion criteria provided. Collection method: clinical testing. Allele origin: germline. Affected: yes. Not counted in ClinVar's aggregate classification.

Literature cited by the submitters: PubMed 24603341 (cited by Labcorp Genetics (formerly Invitae), Labcorp); PubMed 28418496 (cited by Labcorp Genetics (formerly Invitae), Labcorp).

NM_002905.5(RDH5):c.536A>G (p.Lys179Arg)

Genes: BLOC1S1-RDH5 (BLOC1S1-RDH5 readthrough; plus strand), RDH5 (retinol dehydrogenase 5; plus strand). Cytogenetic location: 12q13.2.
Variant type: single nucleotide variant.
Coding change: c.536A>G on transcript NM_002905.5 (MANE Select); coding-DNA position 536, A replaced by G.
Protein change: p.Lys179Arg; replaces lysine 179 with arginine.
Molecular consequence: missense variant. On other transcripts: non-coding transcript variant (1).
Genome position (GRCh38, 1-based): chr12:55,721,914, A>G. VCF-style: chr12-55721914-A-G. GRCh37 (hg19) VCF-style: chr12-56115698-A-G.
Other names: c.536A>G, p.Lys179Arg (NM_001199771.3); short protein forms K179R.
Identifiers: ClinVar variation 236445 (VCV000236445.11), dbSNP rs781112960, ClinGen allele CA6616861.